The following is an entry in ClinVar:

NM_000264.5(PTCH1):c.3587C>A (p.Pro1196His)

Gene: PTCH1 (patched 1; minus strand). Cytogenetic location: 9q22.32.
Variant type: single nucleotide variant.
Coding change: c.3587C>A on transcript NM_000264.5 (MANE Select); coding-DNA position 3587, C replaced by A.
Protein change: p.Pro1196His; replaces proline 1196 with histidine.
Molecular consequence: missense variant. On other transcripts: non-coding transcript variant (1).
Genome position (GRCh38, 1-based): chr9:95,449,286, G>T on the plus strand (C>A on the coding strand, the complement: PTCH1 is on the minus strand). VCF-style: chr9-95449286-G-T. GRCh37 (hg19) VCF-style: chr9-98211568-G-T.
Other names: c.3389C>A, p.Pro1130His (NM_001083602.3); c.3584C>A, p.Pro1195His (NM_001083603.3); c.3134C>A, p.Pro1045His (NM_001083604.3, NM_001083605.3, NM_001083606.3 and 1 more transcripts); c.3431C>A, p.Pro1144His (NM_001354918.2); short protein forms P1045H, P1196H, P1144H, P1130H, P1195H.
Identifiers: ClinVar variation 823960 (VCV000823960.4), dbSNP rs1217566464, ClinGen allele CA374111347.

ClinVar aggregate classification (germline): Uncertain significance (1 of 4 stars; one submission).

Conditions:
Hereditary cancer-predisposing syndrome. Also called: Neoplastic Syndromes, Hereditary; Tumor predisposition; Hereditary neoplastic syndrome; Hereditary Cancer Syndrome. Identifiers: Orphanet 140162, MedGen C0027672, MeSH D009386, MONDO:0015356.

Submission:

Ambry Genetics
Classification: Uncertain significance for Hereditary cancer-predisposing syndrome. Last evaluated: 2021-02-19. Review status: criteria provided, single submitter. Criteria: Ambry Variant Classification Scheme 2023. Collection method: clinical testing. Allele origin: germline.
Comment: The p.P1196H variant (also known as c.3587C>A), located in coding exon 22 of the PTCH1 gene, results from a C to A substitution at nucleotide position 3587. The proline at codon 1196 is replaced by histidine, an amino acid with similar properties. This amino acid position is highly conserved in available vertebrate species. In addition, the in silico prediction for this alteration is inconclusive. Since supporting evidence is limited at this time, the clinical significance of this alteration remains unclear.